The following is an entry in ClinVar:

ClinVar aggregate classification (germline): Uncertain significance (1 of 4 stars; one submission).

Conditions:
Primary familial hypertrophic cardiomyopathy (HCM). Identifiers: Orphanet 99739, MedGen C0949658, MeSH D024741, MONDO:0024573. Inheritance: Various modes of inheritance.
Dilated cardiomyopathy 1AA (CMD1AA). Also called: CARDIOMYOPATHY, DILATED, 1AA, WITH OR WITHOUT LEFT VENTRICULAR NONCOMPACTION; CARDIOMYOPATHY, FAMILIAL HYPERTROPHIC, 23, WITH OR WITHOUT LEFT VENTRICULAR NONCOMPACTION; Cardiomyopathy, dilated, 1AA, with or without LVNC. Identifiers: Orphanet 154, MedGen C2677338, MONDO:0012808, OMIM 612158.

Submission:

Labcorp Genetics (formerly Invitae), Labcorp
Classification: Uncertain significance for Primary familial hypertrophic cardiomyopathy; Dilated cardiomyopathy 1AA. Last evaluated: 2023-10-23. Review status: criteria provided, single submitter. Criteria: Invitae Variant Classification Sherloc (09022015). Collection method: clinical testing. Allele origin: germline.
Comment: This sequence change replaces proline, which is neutral and non-polar, with serine, which is neutral and polar, at codon 651 of the ACTN2 protein (p.Pro651Ser). This variant is not present in population databases (gnomAD no frequency). This variant has not been reported in the literature in individuals affected with ACTN2-related conditions. Advanced modeling of protein sequence and biophysical properties (such as structural, functional, and spatial information, amino acid conservation, physicochemical variation, residue mobility, and thermodynamic stability) performed at Invitae indicates that this missense variant is not expected to disrupt ACTN2 protein function with a negative predictive value of 80%. In summary, the available evidence is currently insufficient to determine the role of this variant in disease. Therefore, it has been classified as a Variant of Uncertain Significance.

NM_001103.4(ACTN2):c.1951C>T (p.Pro651Ser)

Gene: ACTN2 (actinin alpha 2; plus strand). Cytogenetic location: 1q43.
Variant type: single nucleotide variant.
Coding change: c.1951C>T on transcript NM_001103.4 (MANE Select); coding-DNA position 1951, C replaced by T.
Protein change: p.Pro651Ser; replaces proline 651 with serine.
Molecular consequence: missense variant. On other transcripts: non-coding transcript variant (1).
Genome position (GRCh38, 1-based): chr1:236,754,058, C>T. VCF-style: chr1-236754058-C-T. GRCh37 (hg19) VCF-style: chr1-236917358-C-T.
Other names: c.1951C>T, p.Pro651Ser (NM_001278343.2); c.1327C>T, p.Pro443Ser (NM_001278344.2); c.1201C>T, p.Pro401Ser (NM_001412150.1); short protein forms P443S, P651S, P401S.
Identifiers: ClinVar variation 2935501 (VCV002935501.3), dbSNP rs1416165135, ClinGen allele CA345387044.